The following is an entry in ClinVar:

NM_001967.4(EIF4A2):c.235_238del (p.Ser79fs)

Gene: EIF4A2 (eukaryotic translation initiation factor 4A2; plus strand). Cytogenetic location: 3q27.3.
Variant type: Microsatellite.
Coding change: c.235_238del on transcript NM_001967.4 (MANE Select); coding-DNA positions 235 to 238, 4 bases deleted (TCAG; older notation c.235_238delTCAG).
Protein change: p.Ser79fs; shifts the reading frame from serine 79.
Molecular consequence: frameshift variant.
Genome position (GRCh38, 1-based): chr3:186,784,988-186,784,991, TCAG deleted; deleting any 4 consecutive bases within chr3:186,784,984-186,784,991 gives the same sequence; the c. name uses the placement nearest the transcript's 3' end. VCF-style (leftmost placement, unchanged base first): chr3-186784983-CTCAG-C. GRCh37 (hg19) VCF-style: chr3-186502772-CTCAG-C.
Other names: short protein forms S79fs.
Identifiers: ClinVar variation 4292981 (VCV004292981.1).

ClinVar aggregate classification (germline): Likely pathogenic (1 of 4 stars; one submission).

Conditions:
Neurodevelopmental disorder with hypotonia and speech delay, with or without seizures (NEDHSS). Identifiers: MedGen C5830654, MONDO:0957541, OMIM 620455.

Submission:

3billion
Classification: Likely pathogenic for Neurodevelopmental disorder with hypotonia and speech delay, with or without seizures. Last evaluated: 2024-10-31. Review status: criteria provided, single submitter. Criteria: ACMG Guidelines, 2015. Collection method: clinical testing. Allele origin: germline. Affected: yes.
Comment: The variant is not observed in the gnomAD v4.1.0 dataset. Predicted Consequence/Location: Frameshift: predicted to result in a loss or disruption of normal protein function through nonsense-mediated decay (NMD) or protein truncation. Multiple pathogenic variants are reported downstream of the variant. Therefore, this variant is classified as Likely pathogenic according to the recommendation of ACMG/AMP guideline.